The following is an entry in ClinVar:

ClinVar aggregate classification (germline): Uncertain significance (1 of 4 stars; one submission).

Conditions:
Epileptic encephalopathy. Identifiers: MedGen C0543888, HP:0200134.

Allele frequency attached by ClinVar (database versions not stated): gnomAD 0.00001; gnomAD exomes 0.00001.
gnomAD v4.1: 8 of 1,613,724 alleles (0.0005%); highest among the groups gnomAD compares: African/African-American, 0.0027%; no homozygotes.

Submission:

Labcorp Genetics (formerly Invitae), Labcorp
Classification: Uncertain significance for Epileptic encephalopathy. Last evaluated: 2022-02-05. Review status: criteria provided, single submitter. Criteria: Invitae Variant Classification Sherloc (09022015). Collection method: clinical testing. Allele origin: germline.
Comment: In summary, the available evidence is currently insufficient to determine the role of this variant in disease. Therefore, it has been classified as a Variant of Uncertain Significance. Algorithms developed to predict the effect of missense changes on protein structure and function are either unavailable or do not agree on the potential impact of this missense change (SIFT: "Deleterious"; PolyPhen-2: "Possibly Damaging"; Align-GVGD: "Class C0"). ClinVar contains an entry for this variant (Variation ID: 661468). This variant has not been reported in the literature in individuals affected with RYR3-related conditions. This variant is present in population databases (no rsID available, gnomAD 0.002%). This sequence change replaces valine, which is neutral and non-polar, with methionine, which is neutral and non-polar, at codon 2205 of the RYR3 protein (p.Val2205Met).

NM_001036.6(RYR3):c.6613G>A (p.Val2205Met)

Gene: RYR3 (ryanodine receptor 3; plus strand). Cytogenetic location: 15q14.
Variant type: single nucleotide variant.
Coding change: c.6613G>A on transcript NM_001036.6 (MANE Select); coding-DNA position 6613, G replaced by A.
Protein change: p.Val2205Met; replaces valine 2205 with methionine.
Molecular consequence: missense variant.
Genome position (GRCh38, 1-based): chr15:33,707,048, G>A. VCF-style: chr15-33707048-G-A. GRCh37 (hg19) VCF-style: chr15-33999249-G-A.
Other names: c.6613G>A, p.Val2205Met (NM_001243996.4); short protein forms V2205M.
Identifiers: ClinVar variation 661468 (VCV000661468.8), dbSNP rs1385551494, ClinGen allele CA391585888.